The following is an entry in ClinVar:

ClinVar aggregate classification (germline): Likely benign. Review status: criteria provided, single submitter (1 of 4 stars). 2 submissions from 2 submitters: Likely benign (1). 1 of the submissions does not count toward it. Last evaluated 2024-11-20.

Conditions:
CD93-related disorder. Also called: CD93-related condition.

Submissions (2):

Blueprint Genetics
Classification: Likely benign. Last evaluated: 2024-11-20. Review status: criteria provided, single submitter. Criteria: ACMG Guidelines, 2015. Collection method: clinical testing. Allele origin: germline.

PreventionGenetics, part of Exact Sciences
Classification: Likely benign for CD93-related condition. Last evaluated: 2023-10-04. Review status: no assertion criteria provided. Collection method: clinical testing. Allele origin: germline. Not counted in ClinVar's aggregate classification.
Comment: This variant is classified as likely benign based on ACMG/AMP sequence variant interpretation guidelines (Richards et al. 2015 PMID: 25741868, with internal and published modifications).

NM_012072.4(CD93):c.354C>G (p.Gly118=)

Gene: CD93 (CD93 molecule; minus strand). Cytogenetic location: 20p11.21.
Variant type: single nucleotide variant.
Coding change: c.354C>G on transcript NM_012072.4 (MANE Select); coding-DNA position 354, C replaced by G.
Protein change: p.Gly118=; no amino-acid change (glycine 118 retained).
Molecular consequence: synonymous variant.
Genome position (GRCh38, 1-based): chr20:23,085,839, G>C on the plus strand (C>G on the coding strand, the complement: CD93 is on the minus strand). VCF-style: chr20-23085839-G-C. GRCh37 (hg19) VCF-style: chr20-23066476-G-C.
Identifiers: ClinVar variation 3037430 (VCV003037430.3), dbSNP rs764193328, ClinGen allele CA9788293.